The following is an entry in ClinVar:

ClinVar aggregate classification (germline): Conflicting classifications of pathogenicity. Review status: criteria provided, conflicting classifications (1 of 4 stars). 6 submissions from 6 submitters: Uncertain significance (2); Benign (1); Likely benign (2). 1 of the submissions does not count toward it. Last evaluated 2026-01-08.

Conditions:
Tuberous sclerosis syndrome (TSC). Also called: Tuberous Sclerosis Complex; Tuberous sclerosis. Identifiers: Orphanet 805, MedGen C0041341, MONDO:0001734.
Tuberous sclerosis 1 (TSC1). Identifiers: Orphanet 805, MedGen C1854465, MONDO:0008612, OMIM 191100.
Craniopharyngioma. Also called: Rathke's pouch tumor; Craniopharyngeal duct tumor; Adamantinomatous tumor; Dysodontogenic epithelial tumor. Identifiers: Orphanet 54595, MedGen C0010276, MeSH D003397, MONDO:0018907, HP:0030062.
Hereditary cancer-predisposing syndrome. Also called: Tumor predisposition; Hereditary Cancer Syndrome; Neoplastic Syndromes, Hereditary; Hereditary neoplastic syndrome. Identifiers: Orphanet 140162, MedGen C0027672, MeSH D009386, MONDO:0015356.

Allele frequency attached by ClinVar (database versions not stated): gnomAD exomes below 0.00001; ExAC 0.00001; gnomAD 0.00003; TOPMed 0.00003.
gnomAD v4.1: 8 of 1,614,144 alleles (0.0005%); highest among the groups gnomAD compares: African/African-American, 0.0093%; no homozygotes.

Submissions (6):

Labcorp Genetics (formerly Invitae), Labcorp
Classification: Benign for Tuberous sclerosis 1. Last evaluated: 2026-01-08. Review status: criteria provided, single submitter. Criteria: Invitae Variant Classification Sherloc (09022015). Collection method: clinical testing. Allele origin: germline.

All of Us Research Program, National Institutes of Health
Classification: Uncertain significance for Tuberous sclerosis syndrome. Last evaluated: 2024-05-30. Review status: criteria provided, single submitter. Criteria: ACMG Guidelines, 2015. Collection method: clinical testing. Allele origin: germline. Inheritance: Autosomal dominant inheritance. Observed: 2 variant alleles, 2 heterozygotes.
Comment: This missense variant replaces leucine with isoleucine at codon 411 of the TSC1 protein. Computational prediction suggests that this variant may not impact protein structure and function. Functional studies have shown that this variant demonstrated similar impact as wild-type TSC1 on inhibition of mammalian target of rapamycin complex 1 (TORC1) and phosphorylation of the downstream targets of TORC1, including S6 kinase (S6K) (PMID: 22161988). To our knowledge, this variant has not been reported in individuals affected with TSC1-related disorders in the literature. This variant has been identified in 1/251184 chromosomes in the general population by the Genome Aggregation Database (gnomAD). The available evidence is insufficient to determine the role of this variant in disease conclusively. Therefore, this variant is classified as a Variant of Uncertain Significance.

This study involves interpretation of variants in research participants for the purpose of population health screening. Participant phenotype was not available at the time of variant classification. Additional details can be found in publication PMID: 35346344, PMCID: PMC8962531

Genome-Nilou Lab
Classification: Likely benign for Tuberous sclerosis 1. Last evaluated: 2021-11-07. Review status: criteria provided, single submitter. Criteria: ACMG Guidelines, 2015. Collection method: clinical testing. Allele origin: germline. Affected: no.

Ambry Genetics
Classification: Likely benign for Hereditary cancer-predisposing syndrome. Last evaluated: 2020-12-29. Review status: criteria provided, single submitter. Criteria: Ambry Variant Classification Scheme 2023. Collection method: clinical testing. Allele origin: germline.

St. Jude Molecular Pathology, St. Jude Children's Research Hospital
Classification: Uncertain significance for Craniopharyngioma. Last evaluated: 2016-11-15. Review status: criteria provided, single submitter. Criteria: ACMG Guidelines, 2015. Collection method: clinical testing. Allele origin: germline. Affected: yes.

Tuberous sclerosis database (TSC1)
No classification provided. Condition: TSC. Review status: no classification provided. Criteria: Tuberous Sclerosis Database Assertion Criteria 2015. Collection method: curation. Allele origin: germline. Affected: yes. Not counted in ClinVar's aggregate classification.

Literature cited by the submitters: PubMed 22161988 (cited by All of Us Research Program, National Institutes of Health and Ambry Genetics).

NM_000368.5(TSC1):c.1231C>A (p.Leu411Ile)

Gene: TSC1 (TSC complex subunit 1; minus strand). Cytogenetic location: 9q34.13.
Variant type: single nucleotide variant.
Coding change: c.1231C>A on transcript NM_000368.5 (MANE Select); coding-DNA position 1231, C replaced by A.
Protein change: p.Leu411Ile; replaces leucine 411 with isoleucine.
Molecular consequence: missense variant.
Genome position (GRCh38, 1-based): chr9:132,910,603, G>T on the plus strand (C>A on the coding strand, the complement: TSC1 is on the minus strand). VCF-style: chr9-132910603-G-T. GRCh37 (hg19) VCF-style: chr9-135785990-G-T.
Other names: c.1228C>A, p.Leu410Ile (NM_001162426.2); c.1078C>A, p.Leu360Ile (NM_001162427.2); c.868C>A, p.Leu290Ile (NM_001362177.2); short protein forms L411I, L290I, L360I, L410I.
Identifiers: ClinVar variation 64790 (VCV000064790.19), dbSNP rs397514840, ClinGen allele CA004502.